The following is an entry in ClinVar:

ClinVar aggregate classification (germline): Uncertain significance (1 of 4 stars; one submission).

Conditions:
Inborn genetic diseases. Identifiers: MedGen C0950123, MeSH D030342.

Submission:

Ambry Genetics
Classification: Uncertain significance for Inborn genetic diseases. Last evaluated: 2024-08-02. Review status: criteria provided, single submitter. Criteria: Ambry Variant Classification Scheme 2023. Collection method: clinical testing. Allele origin: germline.
Comment: The c.302-2A>C intronic alteration consists of an A to C substitution two nucleotides before exon 5 of the CUX1 gene. RNA studies have demonstrated that this alteration results in a transcript predicted to lead to a protein with an in-frame deletion of 46 amino acids; however, the exact functional impact of the deleted amino acids is unknown at this time (Ambry internal data). This variant was not reported in population-based cohorts in the Genome Aggregation Database (gnomAD). This nucleotide position is highly conserved in available vertebrate species. RNA studies have demonstrated that this alteration results in a transcript predicted to lead to a protein with an in-frame deletion of 46 amino acids; however, the exact functional impact of the deleted amino acids is unknown at this time (Ambry internal data). In silico splice site analysis predicts that this alteration will weaken the native splice acceptor site and may result in the creation or strengthening of a novel splice acceptor site. Based on insufficient or conflicting evidence, the clinical significance of this alteration remains unclear.

NM_181552.4(CUX1):c.269-2A>C

Genes: CUX1 (cut like homeobox 1; plus strand), LOC126860126 (P300/CBP strongly-dependent group 1 enhancer GRCh37_chr7:101740358-101741557; plus strand). Cytogenetic location: 7q22.1.
Variant type: single nucleotide variant.
Coding change: c.269-2A>C on transcript NM_181552.4 (MANE Select); the canonical splice acceptor site of the intron before coding-DNA position 269, A replaced by C.
Molecular consequence: splice acceptor variant. On other transcripts: intron variant (1).
Genome position (GRCh38, 1-based): chr7:102,097,362, A>C. VCF-style: chr7-102097362-A-C. GRCh37 (hg19) VCF-style: chr7-101740642-A-C.
Other names: c.302-2A>C (NM_001913.5, NM_181500.4, NM_001202543.2); c.302-6974A>C (NM_001202545.3); c.254-2A>C (NM_001202544.3); c.191-2A>C (NM_001202546.3).
Identifiers: ClinVar variation 3270349 (VCV003270349.2).